The following is an entry in ClinVar:

NM_001037333.3(CYFIP2):c.3629A>G (p.Tyr1210Cys)

Genes: NIPAL4-DT (NIPAL4 divergent transcript; minus strand), CYFIP2 (cytoplasmic FMR1 interacting protein 2; plus strand). Cytogenetic location: 5q33.3.
Variant type: single nucleotide variant.
Coding change: c.3629A>G on transcript NM_001037333.3 (MANE Select); coding-DNA position 3629, A replaced by G.
Protein change: p.Tyr1210Cys; replaces tyrosine 1210 with cysteine.
Molecular consequence: missense variant.
Genome position (GRCh38, 1-based): chr5:157,392,867, A>G. VCF-style: chr5-157392867-A-G. GRCh37 (hg19) VCF-style: chr5-156819875-A-G.
Other names: c.3551A>G, p.Tyr1184Cys (NM_001291721.2); c.3704A>G, p.Tyr1235Cys (NM_001291722.2); c.3629A>G, p.Tyr1210Cys (NM_014376.4); short protein forms Y1184C, Y1235C, Y1210C.
Identifiers: ClinVar variation 1991242 (VCV001991242.4), dbSNP rs2532761640, ClinGen allele CA361983464.

ClinVar aggregate classification (germline): Uncertain significance (1 of 4 stars; one submission).

Submission:

Labcorp Genetics (formerly Invitae), Labcorp
Classification: Uncertain significance. Last evaluated: 2022-05-25. Review status: criteria provided, single submitter. Criteria: Invitae Variant Classification Sherloc (09022015). Collection method: clinical testing. Allele origin: germline.
Comment: In summary, the available evidence is currently insufficient to determine the role of this variant in disease. Therefore, it has been classified as a Variant of Uncertain Significance. Algorithms developed to predict the effect of missense changes on protein structure and function are either unavailable or do not agree on the potential impact of this missense change (SIFT: "Deleterious"; PolyPhen-2: "Not Available"; Align-GVGD: "Class C55"). This variant has not been reported in the literature in individuals affected with CYFIP2-related conditions. This variant is not present in population databases (gnomAD no frequency). This sequence change replaces tyrosine, which is neutral and polar, with cysteine, which is neutral and slightly polar, at codon 1210 of the CYFIP2 protein (p.Tyr1210Cys).